The following is an entry in ClinVar:

NM_001166108.2(PALLD):c.2722C>T (p.Arg908Cys)

Genes: CBR4 (carbonyl reductase 4; minus strand), PALLD (palladin, cytoskeletal associated protein; plus strand). Cytogenetic location: 4q32.3.
Variant type: single nucleotide variant.
Coding change: c.2722C>T on transcript NM_001166108.2 (MANE Select); coding-DNA position 2722, C replaced by T.
Protein change: p.Arg908Cys; replaces arginine 908 with cysteine.
Molecular consequence: missense variant.
Genome position (GRCh38, 1-based): chr4:168,915,899, C>T. VCF-style: chr4-168915899-C-T. GRCh37 (hg19) VCF-style: chr4-169837050-C-T.
Other names: c.1525C>T, p.Arg509Cys (NM_001166109.2); c.1210C>T, p.Arg404Cys (NM_001166110.2); c.550C>T, p.Arg184Cys (NM_001367567.1, NM_001367569.1); c.601C>T, p.Arg201Cys (NM_001367568.1, NM_001367570.1); c.2671C>T, p.Arg891Cys (NM_016081.4); c.1210C>T (NM_001166110.1); short protein forms R891C, R184C, R201C, R908C, R509C, R404C.
Identifiers: ClinVar variation 1412752 (VCV001412752.10), dbSNP rs369054918, ClinGen allele CA109855789.

ClinVar aggregate classification (germline): Uncertain significance. Review status: criteria provided, multiple submitters, no conflicts (2 of 4 stars). 2 submissions from 2 submitters: Uncertain significance (2). Last evaluated 2024-11-26.

Conditions:
Pancreatic adenocarcinoma. Identifiers: MedGen C0281361, MONDO:0006047, HP:0006725.

Allele frequency attached by ClinVar (database versions not stated): gnomAD exomes below 0.00001 and 0.00001; gnomAD 0.00001; ESP Exome Variant Server 0.00008.

Submissions (2):

Ambry Genetics
Classification: Uncertain significance. Last evaluated: 2024-11-26. Review status: criteria provided, single submitter. Criteria: Ambry Variant Classification Scheme 2023. Collection method: clinical testing. Allele origin: germline.
Comment: The p.R404C variant (also known as c.1210C>T), located in coding exon 7 of the PALLD gene, results from a C to T substitution at nucleotide position 1210. The arginine at codon 404 is replaced by cysteine, an amino acid with highly dissimilar properties. This amino acid position is conserved. In addition, this alteration is predicted to be deleterious by in silico analysis. Based on the available evidence, the clinical significance of this variant remains unclear.

Labcorp Genetics (formerly Invitae), Labcorp
Classification: Uncertain significance for Pancreatic adenocarcinoma. Last evaluated: 2023-10-14. Review status: criteria provided, single submitter. Criteria: Invitae Variant Classification Sherloc (09022015). Collection method: clinical testing. Allele origin: germline.
Comment: This sequence change replaces arginine, which is basic and polar, with cysteine, which is neutral and slightly polar, at codon 404 of the PALLD protein (p.Arg404Cys). This variant is present in population databases (rs369054918, gnomAD 0.0009%). This variant has not been reported in the literature in individuals affected with PALLD-related conditions. ClinVar contains an entry for this variant (Variation ID: 1412752). An algorithm developed to predict the effect of missense changes on protein structure and function (PolyPhen-2) suggests that this variant is likely to be disruptive. In summary, the available evidence is currently insufficient to determine the role of this variant in disease. Therefore, it has been classified as a Variant of Uncertain Significance.